The following is an entry in ClinVar:

ClinVar aggregate classification (germline): Pathogenic (1 of 4 stars; one submission).

Conditions:
Familial cancer of breast. Also called: hereditary breast carcinoma; BREAST CANCER, FAMILIAL; Hereditary breast cancer. Identifiers: Orphanet 227535, MedGen C0346153, MONDO:0016419, OMIM 114480. Disease mechanism: loss of function.

Submission:

Labcorp Genetics (formerly Invitae), Labcorp
Classification: Pathogenic for Familial cancer of breast. Last evaluated: 2022-05-12. Review status: criteria provided, single submitter. Criteria: Invitae Variant Classification Sherloc (09022015). Collection method: clinical testing. Allele origin: germline.
Comment: For these reasons, this variant has been classified as Pathogenic. Retrotransposon insertions including LINE1 (L1), Alu, and SVA (SINE-VNTR-Alu) have been reported to be disease-causing through disruption of either a coding region or splice site (PMID: 19763152, 20307669, 22406018) and loss-of-function variants in BARD1 are known to be pathogenic (PMID: 20077502, 21344236). ClinVar contains an entry for this variant (Variation ID: 1068665). This variant has not been reported in the literature in individuals affected with BARD1-related conditions. This variant is not present in population databases (gnomAD no frequency). This sequence change inserts a large fragment of DNA, likely a transposable element, in exon 8 of the BARD1 gene (c.1776_1777ins?), causing a frameshift at codon 593 (p.Lys593fs). The exact size and sequence of the insertion cannot be determined by the current assay. However, the insertion is expected to result in an absent or disrupted protein product.

Literature cited by the submitters: PubMed 19763152; PubMed 20307669; PubMed 22406018; PubMed 20077502; PubMed 21344236.

NM_000465.4(BARD1):c.1776_1777insTTTTTTTTTTTTTTTTTTTGNNNNNNNNNNCTCGATCTCCTGACCTCGTGATCCGCCCGCCTCGGCCTCCCAAAGTGCTGGGATTACAGGCGTGAGCCACCGCGCCCGGCCCGCAGTAATTCTT (p.Lys593delinsPhePhePhePhePhePheXaaXaaXaaXaaLeuAspLeuLeuThrSerTer)

Gene: BARD1 (BRCA1 associated RING domain 1; minus strand). Cytogenetic location: 2q35.
Variant type: Insertion.
Coding change: c.1776_1777insTTTTTTTTTTTTTTTTTTTGNNNNNNNNNNCTCGATCTCCTGACCTCGTGATCCGCCCGCCTCGGCCTCCCAAAGTGCTGGGATTACAGGCGTGAGCCACCGCGCCCGGCCCGCAGTAATTCTT on transcript NM_000465.4 (MANE Select); coding-DNA positions 1776 to 1777, TTTTTTTTTTTTTTTTTTTGNNNNNNNNNNCTCGATCTCCTGACCTCGTGATCCGCCCGCCTCGGCCTCCCAAAGTGCTGGGATTACAGGCGTGAGCCACCGCGCCCGGCCCGCAGTAATTCTT inserted.
Protein change: p.Lys593delinsPhePhePhePhePhePheXaaXaaXaaXaaLeuAspLeuLeuThrSerTer.
Molecular consequence: nonsense. On other transcripts: non-coding transcript variant (3), intron variant (1).
Genome position: GRCh38: chr2:214,745,767-214,745,768. GRCh37 (hg19): chr2:215,610,491-215,610,492.
Other names: c.1719_1720insTTTTTTTTTTTTTTTTTTTGNNNNNNNNNNCTCGATCTCCTGACCTCGTGATCCGCCCGCCTCGGCCTCCCAAAGTGCTGGGATTACAGGCGTGAGCCACCGCGCCCGGCCCGCAGTAATTCTT, p.Lys574delinsPhePhePhePhePhePheXaaXaaXaaXaaLeuAspLeuLeuThrSerTer (NM_001282543.2); c.423_424insTTTTTTTTTTTTTTTTTTTGNNNNNNNNNNCTCGATCTCCTGACCTCGTGATCCGCCCGCCTCGGCCTCCCAAAGTGCTGGGATTACAGGCGTGAGCCACCGCGCCCGGCCCGCAGTAATTCTT, p.Lys142delinsPhePhePhePhePhePheXaaXaaXaaXaaLeuAspLeuLeuThrSerTer (NM_001282545.2); c.366_367insTTTTTTTTTTTTTTTTTTTGNNNNNNNNNNCTCGATCTCCTGACCTCGTGATCCGCCCGCCTCGGCCTCCCAAAGTGCTGGGATTACAGGCGTGAGCCACCGCGCCCGGCCCGCAGTAATTCTT, p.Lys123delinsPhePhePhePhePhePheXaaXaaXaaXaaLeuAspLeuLeuThrSerTer (NM_001282548.2); c.365-15248_365-15247insGCAGTAATTCTTTTTTTTTTTTTTTTTTTTTGNNNNNNNNNNCTCGATCTCCTGACCTCGTGATCCGCCCGCCTCGGCCTCCCAAAGTGCTGGGATTACAGGCGTGAGCCACCGCGCCCGGCCC (NM_001282549.2).
Identifiers: ClinVar variation 1068665 (VCV001068665.8), dbSNP rs2106020750.